The following is an entry in ClinVar:

NM_004082.5(DCTN1):c.72C>T (p.Ala24=)

Gene: DCTN1 (dynactin subunit 1; minus strand). Cytogenetic location: 2p13.1.
Variant type: single nucleotide variant.
Coding change: c.72C>T on transcript NM_004082.5 (MANE Select); coding-DNA position 72, C replaced by T.
Protein change: p.Ala24=; no amino-acid change (alanine 24 retained).
Molecular consequence: synonymous variant. On other transcripts: non-coding transcript variant (1).
Genome position (GRCh38, 1-based): chr2:74,378,207, G>A on the plus strand (C>T on the coding strand, the complement: DCTN1 is on the minus strand). VCF-style: chr2-74378207-G-A. GRCh37 (hg19) VCF-style: chr2-74605334-G-A.
Other names: c.72C>T, p.Ala24= (NM_001135040.3, NM_001190837.2); c.21C>T, p.Ala7= (NM_001190836.2, NM_001378991.1, NM_001378992.1).
Identifiers: ClinVar variation 468278 (VCV000468278.15), dbSNP rs368633620, ClinGen allele CA1722608.

ClinVar aggregate classification (germline): Benign/Likely benign. Review status: criteria provided, multiple submitters, no conflicts (2 of 4 stars). 3 submissions from 3 submitters: Benign (1); Likely benign (2). Last evaluated 2026-04-22.

Conditions:
DCTN1-related disorder. Also called: DCTN1-related condition.
Inborn genetic diseases. Identifiers: MedGen C0950123, MeSH D030342.
Neuronopathy, distal hereditary motor, type 7B. Also called: HMN VIIB; LOWER MOTOR NEURON DISEASE, DYNACTIN TYPE; NEURONOPATHY, DISTAL HEREDITARY MOTOR, AUTOSOMAL DOMINANT 14; NEURONOPATHY, DISTAL HEREDITARY MOTOR, HARDING TYPE VIIB; NEUROPATHY, DISTAL HEREDITARY MOTOR, HARDING TYPE VIIB; NEUROPATHY, DISTAL HEREDITARY MOTOR, WITH VOCAL CORD PARALYSIS, HARDING TYPE VIIB. Identifiers: Orphanet 139589, MedGen C1843315, MONDO:0011879, OMIM 607641.
Perry syndrome. Also called: PARKINSONISM WITH ALVEOLAR HYPOVENTILATION AND MENTAL DEPRESSION. Identifiers: Orphanet 178509, MedGen C1868594, MONDO:0008201, OMIM 168605.
Amyotrophic lateral sclerosis type 1 (ALS1). Also called: AMYOTROPHIC LATERAL SCLEROSIS 1, FAMILIAL. Identifiers: Orphanet 803, MedGen C1862939, MONDO:0007103, OMIM 105400.

Allele frequency attached by ClinVar (database versions not stated): gnomAD 0.00003 and 0.00008; TOPMed 0.00003; ESP Exome Variant Server 0.00008; gnomAD exomes 0.00011 and 0.00022; ExAC 0.00027.
gnomAD v4.1: 176 of 1,611,984 alleles (0.011%); highest among the groups gnomAD compares: South Asian, 0.16%; 1 homozygote.

Submissions (3):

PreventionGenetics, part of Exact Sciences
Classification: Likely benign for DCTN1-related condition. Last evaluated: 2026-04-22. Review status: criteria provided, single submitter. Criteria: ACMG Guidelines, 2015. Collection method: clinical testing. Allele origin: germline.
Comment: This variant is classified as likely benign based on ACMG/AMP sequence variant interpretation guidelines (Richards et al. 2015 PMID: 25741868, with internal and published modifications).

Labcorp Genetics (formerly Invitae), Labcorp
Classification: Benign for Amyotrophic lateral sclerosis type 1; Neuronopathy, distal hereditary motor, type 7B; Perry syndrome. Last evaluated: 2025-04-07. Review status: criteria provided, single submitter. Criteria: Invitae Variant Classification Sherloc (09022015). Collection method: clinical testing. Allele origin: germline.

Ambry Genetics
Classification: Likely benign for Inborn genetic diseases. Last evaluated: 2019-07-11. Review status: criteria provided, single submitter. Criteria: Ambry Variant Classification Scheme 2023. Collection method: clinical testing. Allele origin: germline.